The following is an entry in ClinVar:

NM_001999.4(FBN2):c.5917+201T>G

Gene: FBN2 (fibrillin 2; minus strand). Cytogenetic location: 5q23.3.
Variant type: single nucleotide variant.
Coding change: c.5917+201T>G on transcript NM_001999.4 (MANE Select); 201 bases into the intron after coding-DNA position 5917, T replaced by G.
Molecular consequence: intron variant.
Genome position (GRCh38, 1-based): chr5:128,302,772, A>C on the plus strand (T>G on the coding strand, the complement: FBN2 is on the minus strand). VCF-style: chr5-128302772-A-C. GRCh37 (hg19) VCF-style: chr5-127638464-A-C.
Identifiers: ClinVar variation 672323 (VCV000672323.1), dbSNP rs26023, ClinGen allele CA15389870.
Genomic context (GRCh38, chr5:128,302,772, plus strand): 5'-TACTGTGATCTGAATGACCTTTTTTTCCTGAAATGATTGGCTGATTGACAAAAGGATTCA[A>C]GAGTATATTGTCTTGTGACAATTTAGGCCAATACTATGGTTTCAGTTAACTAGAAACCAG-3'

ClinVar aggregate classification (germline): Benign (1 of 4 stars; one submission).

Allele frequency attached by ClinVar (database versions not stated): TOPMed 0.46779; 1000 Genomes Project 30x 0.47954; 1000 Genomes Project 0.49022.
gnomAD v4.1: 74,172 of 152,082 alleles (49%); highest among the groups gnomAD compares: East Asian, 65%; 20,868 homozygotes.

Submission:

GeneDx
Classification: Benign. Last evaluated: 2018-06-14. Review status: criteria provided, single submitter. Criteria: GeneDx Variant Classification (06012015). Collection method: clinical testing. Allele origin: germline. Affected: yes.
Comment: This variant is considered likely benign or benign based on one or more of the following criteria: it is a conservative change, it occurs at a poorly conserved position in the protein, it is predicted to be benign by multiple in silico algorithms, and/or has population frequency not consistent with disease.